The following is an entry in ClinVar:

NM_031935.3(HMCN1):c.8C>A (p.Ser3Tyr)

Gene: HMCN1 (hemicentin 1; plus strand). Cytogenetic location: 1q25.3.
Variant type: single nucleotide variant.
Coding change: c.8C>A on transcript NM_031935.3 (MANE Select); coding-DNA position 8, C replaced by A.
Protein change: p.Ser3Tyr; replaces serine 3 with tyrosine.
Molecular consequence: missense variant.
Genome position (GRCh38, 1-based): chr1:185,734,787, C>A. VCF-style: chr1-185734787-C-A. GRCh37 (hg19) VCF-style: chr1-185703919-C-A.
Other names: short protein forms S3Y.
Identifiers: ClinVar variation 2178907 (VCV002178907.4), dbSNP rs761062421, ClinGen allele CA1290724.

ClinVar aggregate classification (germline): Uncertain significance (1 of 4 stars; one submission).

Allele frequency attached by ClinVar (database versions not stated): gnomAD exomes 0.00002; ExAC 0.00003; gnomAD 0.00003.
gnomAD v4.1: 33 of 1,613,988 alleles (0.002%); highest among the groups gnomAD compares: Non-Finnish European, 0.0026%; no homozygotes.

Submission:

Labcorp Genetics (formerly Invitae), Labcorp
Classification: Uncertain significance. Last evaluated: 2022-06-04. Review status: criteria provided, single submitter. Criteria: Invitae Variant Classification Sherloc (09022015). Collection method: clinical testing. Allele origin: germline.
Comment: In summary, the available evidence is currently insufficient to determine the role of this variant in disease. Therefore, it has been classified as a Variant of Uncertain Significance. Algorithms developed to predict the effect of missense changes on protein structure and function are either unavailable or do not agree on the potential impact of this missense change (SIFT: "Deleterious"; PolyPhen-2: "Possibly Damaging"; Align-GVGD: "Class C0"). This variant has not been reported in the literature in individuals affected with HMCN1-related conditions. The frequency data for this variant in the population databases is considered unreliable, as metrics indicate poor data quality at this position in the gnomAD database. This sequence change replaces serine, which is neutral and polar, with tyrosine, which is neutral and polar, at codon 3 of the HMCN1 protein (p.Ser3Tyr).